The following is an entry in ClinVar:

ClinVar aggregate classification (germline): Pathogenic (1 of 4 stars; one submission).

Conditions:
Ehlers-Danlos syndrome, kyphoscoliotic type 1 (EDSKSCL1). Also called: Ehlers-Danlos syndrome, hydroxylysine-deficient; EHLERS-DANLOS SYNDROME, OCULAR-SCOLIOTIC TYPE; PLOD1-Related Kyphoscoliotic Ehlers-Danlos Syndrome; EHLERS-DANLOS SYNDROME, TYPE VIA. Identifiers: Orphanet 1900, MedGen C0268342, MONDO:0016002, OMIM 225400. Disease mechanism: loss of function.

Submission:

Labcorp Genetics (formerly Invitae), Labcorp
Classification: Pathogenic for Ehlers-Danlos syndrome, kyphoscoliotic type 1. Last evaluated: 2024-02-07. Review status: criteria provided, single submitter. Criteria: Invitae Variant Classification Sherloc (09022015). Collection method: clinical testing. Allele origin: germline.
Comment: This sequence change creates a premature translational stop signal (p.Ile535Hisfs*33) in the PLOD1 gene. It is expected to result in an absent or disrupted protein product. Loss-of-function variants in PLOD1 are known to be pathogenic (PMID: 10874315, 21699693). This variant is not present in population databases (gnomAD no frequency). This variant has not been reported in the literature in individuals affected with PLOD1-related conditions. For these reasons, this variant has been classified as Pathogenic.

Literature cited by the submitters: PubMed 10874315; PubMed 21699693.

NM_000302.4(PLOD1):c.1602dup (p.Ile535fs)

Gene: PLOD1 (procollagen-lysine,2-oxoglutarate 5-dioxygenase 1; plus strand). Cytogenetic location: 1p36.22.
Variant type: Duplication.
Coding change: c.1602dup on transcript NM_000302.4 (MANE Select); coding-DNA position 1602, one base duplicated (C; older notation c.1602dupC).
Protein change: p.Ile535fs; shifts the reading frame from isoleucine 535.
Molecular consequence: frameshift variant.
Genome position (GRCh38, 1-based): chr1:11,966,268, C duplicated. VCF-style (leftmost placement, unchanged base first): chr1-11966267-A-AC. GRCh37 (hg19) VCF-style: chr1-12026324-A-AC.
Other names: c.1743dup, p.Ile582fs (NM_001316320.2); short protein forms I582fs, I535fs.
Identifiers: ClinVar variation 3639508 (VCV003639508.2).